The following is an entry in ClinVar:

ClinVar aggregate classification (germline): Likely benign (0 of 4 stars; one submission).

Conditions:
GMPPB-related disorder. Also called: GMPPB-related condition; GMPPB-related disorders.

gnomAD v4.1: 1 of 1,613,808 alleles (0.000062%); highest among the groups gnomAD compares: East Asian, 0.0022%; no homozygotes.

Submission:

PreventionGenetics, part of Exact Sciences
Classification: Likely benign for GMPPB-related condition. Last evaluated: 2024-09-23. Review status: no assertion criteria provided. Collection method: clinical testing. Allele origin: germline.
Comment: This variant is classified as likely benign based on ACMG/AMP sequence variant interpretation guidelines (Richards et al. 2015 PMID: 25741868, with internal and published modifications).

NM_021971.4(GMPPB):c.561+8G>A

Gene: GMPPB (GDP-mannose pyrophosphorylase B; minus strand). Cytogenetic location: 3p21.31.
Variant type: single nucleotide variant.
Coding change: c.561+8G>A on transcript NM_021971.4 (MANE Select); 8 bases into the intron after coding-DNA position 561, G replaced by A.
Molecular consequence: intron variant.
Genome position (GRCh38, 1-based): chr3:49,722,588, C>T on the plus strand (G>A on the coding strand, the complement: GMPPB is on the minus strand). VCF-style: chr3-49722588-C-T. GRCh37 (hg19) VCF-style: chr3-49760021-C-T.
Other names: c.561+8G>A (NM_013334.4).
Identifiers: ClinVar variation 3347548 (VCV003347548.1).